The following is an entry in ClinVar:

NM_032043.3(BRIP1):c.*2538G>A

Gene: BRIP1 (BRCA1 interacting DNA helicase 1; minus strand). Cytogenetic location: 17q23.2.
Variant type: single nucleotide variant.
Coding change: c.*2538G>A on transcript NM_032043.3 (MANE Select); 2538 bases downstream of the stop codon, G replaced by A.
Molecular consequence: 3 prime UTR variant.
Genome position (GRCh38, 1-based): chr17:61,680,758, C>T on the plus strand (G>A on the coding strand, the complement: BRIP1 is on the minus strand). VCF-style: chr17-61680758-C-T. GRCh37 (hg19) VCF-style: chr17-59758119-C-T.
Identifiers: ClinVar variation 324318 (VCV000324318.5), dbSNP rs150080122, ClinGen allele CA10650607.

ClinVar aggregate classification (germline): Benign (1 of 4 stars; one submission).

Conditions:
Fanconi anemia complementation group J. Also called: BRIP1-Related Fanconi Anemia. Identifiers: Orphanet 84, MedGen C1836860, MONDO:0012187, OMIM 609054.

Allele frequency attached by ClinVar (database versions not stated): TOPMed 0.00593; gnomAD 0.00610; 1000 Genomes Project 0.00719; 1000 Genomes Project 30x 0.00781.
gnomAD v4.1: 840 of 152,236 alleles (0.55%); highest among the groups gnomAD compares: African/African-American, 1.9%; 4 homozygotes.

Submission:

Illumina Laboratory Services, Illumina
Classification: Benign for Fanconi anemia complementation group J. Last evaluated: 2018-01-12. Review status: criteria provided, single submitter. Criteria: ICSL Variant Classification Criteria 13 December 2019. Collection method: clinical testing. Allele origin: germline.
Comment: This variant was observed in the ICSL laboratory as part of a predisposition screen in an ostensibly healthy population. It had not been previously curated by ICSL or reported in the Human Gene Mutation Database (HGMD: prior to June 1st, 2018), and was therefore a candidate for classification through an automated scoring system. Utilizing variant allele frequency, disease prevalence and penetrance estimates, and inheritance mode, an automated score was calculated to assess if this variant is too frequent to cause the disease. Based on the score and internal cut-off values, a variant classified as benign is not then subjected to further curation. The score for this variant resulted in a classification of benign for this disease.